The following is an entry in ClinVar:

NM_001122681.2(SH3BP2):c.*5898T>A

Gene: SH3BP2 (SH3 domain binding protein 2; plus strand). Cytogenetic location: 4p16.3.
Variant type: single nucleotide variant.
Coding change: c.*5898T>A on transcript NM_001122681.2 (MANE Select); 5898 bases downstream of the stop codon, T replaced by A.
Molecular consequence: 3 prime UTR variant.
Genome position (GRCh38, 1-based): chr4:2,839,732, T>A. VCF-style: chr4-2839732-T-A. GRCh37 (hg19) VCF-style: chr4-2841459-T-A.
Other names: c.*5898T>A (LRG_1334t1, LRG_1334t2, NM_001145855.2 and 2 more transcripts).
Identifiers: ClinVar variation 348694 (VCV000348694.5), dbSNP rs182077606, ClinGen allele CA10620983.

ClinVar aggregate classification (germline): Benign (1 of 4 stars; one submission).

Conditions:
Fibrous dysplasia of jaw (CRBM). Also called: Cherubism. Identifiers: Orphanet 184, MedGen C0008029, MONDO:0007315, OMIM 118400.

Allele frequency attached by ClinVar (database versions not stated): gnomAD 0.00366 and 0.00388; TOPMed 0.00695; 1000 Genomes Project 0.00859; 1000 Genomes Project 30x 0.00937.

Submission:

Illumina Laboratory Services, Illumina
Classification: Benign for Fibrous dysplasia of jaw. Last evaluated: 2018-01-12. Review status: criteria provided, single submitter. Criteria: ICSL Variant Classification Criteria 13 December 2019. Collection method: clinical testing. Allele origin: germline.
Comment: This variant was observed in the ICSL laboratory as part of a predisposition screen in an ostensibly healthy population. It had not been previously curated by ICSL or reported in the Human Gene Mutation Database (HGMD: prior to June 1st, 2018), and was therefore a candidate for classification through an automated scoring system. Utilizing variant allele frequency, disease prevalence and penetrance estimates, and inheritance mode, an automated score was calculated to assess if this variant is too frequent to cause the disease. Based on the score and internal cut-off values, a variant classified as benign is not then subjected to further curation. The score for this variant resulted in a classification of benign for this disease.